The following is an entry in ClinVar:

NM_017635.5(KMT5B):c.268G>A (p.Asp90Asn)

Gene: KMT5B (lysine methyltransferase 5B; minus strand). Cytogenetic location: 11q13.2.
Variant type: single nucleotide variant.
Coding change: c.268G>A on transcript NM_017635.5 (MANE Select); coding-DNA position 268, G replaced by A.
Protein change: p.Asp90Asn; replaces aspartic acid 90 with asparagine.
Molecular consequence: missense variant. On other transcripts: 5 prime UTR variant (8), non-coding transcript variant (3), intron variant (1).
Genome position (GRCh38, 1-based): chr11:68,185,821, C>T on the plus strand (G>A on the coding strand, the complement: KMT5B is on the minus strand). VCF-style: chr11-68185821-C-T. GRCh37 (hg19) VCF-style: chr11-67953288-C-T.
Other names: c.-317G>A (NM_001300907.1); c.-400G>A (NM_001300908.2); c.268G>A, p.Asp90Asn (NM_001300909.2, NM_001363566.2, NM_001369426.1 and 2 more transcripts); c.-396G>A (NM_001369424.1, NM_001369431.1, NM_001369432.1); c.55G>A, p.Asp19Asn (NM_001369425.1); c.-610G>A (NM_001369428.1); c.-327G>A (NM_001369430.1); c.-911G>A (NM_001369433.1); and 1 more; short protein forms D19N, D90N.
Identifiers: ClinVar variation 1341932 (VCV001341932.1), dbSNP rs2153068007, ClinGen allele CA381609426.

ClinVar aggregate classification (germline): Uncertain significance (1 of 4 stars; one submission).

Conditions:
Intellectual developmental disorder, autosomal dominant 51. Also called: MENTAL RETARDATION, AUTOSOMAL DOMINANT 51; Intellectual disability, autosomal dominant 51. Identifiers: Orphanet 684226, MedGen C4540474, MONDO:0030917, OMIM 617788.

Submission:

New York Genome Center
Classification: Uncertain significance for Intellectual developmental disorder, autosomal dominant 51. Last evaluated: 2020-06-18. Review status: criteria provided, single submitter. Criteria: NYGC Assertion Criteria 2020. Collection method: clinical testing. Allele origin: inherited. Observed: 1 heterozygote. Study: CSER-NYCKidSeq.
Comment: The inherited heterozygous p.Asp90Asn variant identified in KMT5B has not been reported in affected individuals in the literature. The variant is absent from the gnomAD(v3) database indicating it is an extremely rare allele in the general population represented in the database. In silico tools provide conflicting interpretations about potential pathogenicity of this variant. Based on the available evidence, the inherited heterozygous p.Asp90Asn variant in the KMT5B gene is assessed as a variant of uncertain significance.